The following is an entry in ClinVar:

ClinVar aggregate classification (germline): Pathogenic (1 of 4 stars; one submission).

Conditions:
Hereditary cancer-predisposing syndrome. Also called: Hereditary Cancer Syndrome; Hereditary neoplastic syndrome; Neoplastic Syndromes, Hereditary; Tumor predisposition. Identifiers: Orphanet 140162, MedGen C0027672, MeSH D009386, MONDO:0015356.

Submission:

Ambry Genetics
Classification: Pathogenic for Hereditary cancer-predisposing syndrome. Last evaluated: 2019-07-31. Review status: criteria provided, single submitter. Criteria: Ambry Variant Classification Scheme 2023. Collection method: clinical testing. Allele origin: germline.
Comment: The c.4562delA pathogenic mutation, located in coding exon 13 of the BRCA1 gene, results from a deletion of one nucleotide at nucleotide position 4562, causing a translational frameshift with a predicted alternate stop codon (p.N1521Tfs*27). This alteration is expected to result in loss of function by premature protein truncation or nonsense-mediated mRNA decay. As such, this alteration is interpreted as a disease-causing mutation.

NM_007294.4(BRCA1):c.4562del (p.Asn1521fs)

Gene: BRCA1 (BRCA1 DNA repair associated; minus strand). Cytogenetic location: 17q21.31.
Variant type: Deletion.
Coding change: c.4562del on transcript NM_007294.4 (MANE Select); coding-DNA position 4562, one base deleted (A; older notation c.4562delA).
Protein change: p.Asn1521fs; shifts the reading frame from asparagine 1521.
Molecular consequence: frameshift variant. On other transcripts: non-coding transcript variant (1).
Genome position (GRCh38, 1-based): chr17:43,074,444, T deleted on the plus strand (A on the coding strand, the reverse complement: BRCA1 is on the minus strand); the first of 3 consecutive T bases (chr17:43,074,444-43,074,446); deleting any one gives the same sequence. VCF-style (leftmost placement, unchanged base first): chr17-43074443-GT-G. GRCh37 (hg19) VCF-style: chr17-41226460-GT-G.
Other names: c.4434delA, p.Asn1479Thrfs (NM_001407679.1, NM_001407680.1, NM_001407863.1 and 11 more transcripts); c.4431delA, p.Asn1478Thrfs (NM_001407681.1, NM_001407682.1, NM_001407683.1 and 6 more transcripts); c.4560delA, p.Asn1521Thrfs (NM_001407684.1, NM_001407854.1, NM_001407593.1 and 8 more transcripts); c.4428delA, p.Asn1477Thrfs (NM_001407690.1, NM_001407691.1); c.4419delA, p.Asn1474Thrfs (NM_001407692.1, NM_001407694.1, NM_001407695.1 and 12 more transcripts); c.4416delA, p.Asn1473Thrfs (NM_001407732.1, NM_001407733.1, NM_001407734.1 and 21 more transcripts); c.4413delA, p.Asn1472Thrfs (NM_001407838.1, NM_001407839.1, NM_001407841.1 and 12 more transcripts); c.4557delA, p.Asn1520Thrfs (NM_001407858.1, NM_001407859.1, NM_001407860.1 and 17 more transcripts); and 72 more; short protein forms N1474fs, N1542fs, N1521fs, N417fs.
Identifiers: ClinVar variation 1741502 (VCV001741502.2), dbSNP rs2551485477, ClinGen allele CA2580094242.
Genomic context (GRCh38, chr17:43,074,443, plus strand): 5'-CTCTTCCAGCTGTTGCTCCTCCACATCAACAACCTTAATGAGCTCCTCTTGAGATGGGTA[GT>G]TTCTATTCTGAAGACTCCCAGAGCAACTGTGCATGTACCACCTATCATCTAATGATGGGC-3'